The following is an entry in ClinVar:

NM_004415.4(DSP):c.5138T>A (p.Leu1713Gln)

Gene: DSP (desmoplakin; plus strand). Cytogenetic location: 6p24.3.
Variant type: single nucleotide variant.
Coding change: c.5138T>A on transcript NM_004415.4 (MANE Select); coding-DNA position 5138, T replaced by A.
Protein change: p.Leu1713Gln; replaces leucine 1713 with glutamine.
Molecular consequence: missense variant. On other transcripts: intron variant (2).
Genome position (GRCh38, 1-based): chr6:7,581,328, T>A. VCF-style: chr6-7581328-T-A. GRCh37 (hg19) VCF-style: chr6-7581561-T-A.
Other names: c.4050+1088T>A (NM_001319034.2); c.3583-1314T>A (NM_001008844.3); short protein forms L1713Q.
Identifiers: ClinVar variation 4245109 (VCV004245109.1).

ClinVar aggregate classification (germline): Uncertain significance (1 of 4 stars; one submission).

Conditions:
Cardiovascular phenotype. Identifiers: MedGen CN230736.

Submission:

Ambry Genetics
Classification: Uncertain significance for Cardiovascular phenotype. Last evaluated: 2025-06-22. Review status: criteria provided, single submitter. Criteria: Ambry Variant Classification Scheme 2023. Collection method: clinical testing. Allele origin: germline.
Comment: The p.L1713Q variant (also known as c.5138T>A), located in coding exon 23 of the DSP gene, results from a T to A substitution at nucleotide position 5138. The leucine at codon 1713 is replaced by glutamine, an amino acid with dissimilar properties. This amino acid position is conserved. In addition, the in silico prediction for this alteration is inconclusive. Based on the available evidence, the clinical significance of this variant remains unclear.